The following is an entry in ClinVar:

NM_007347.5(AP4E1):c.2503T>A (p.Leu835Met)

Gene: AP4E1 (adaptor related protein complex 4 subunit epsilon 1; plus strand). Cytogenetic location: 15q21.2.
Variant type: single nucleotide variant.
Coding change: c.2503T>A on transcript NM_007347.5 (MANE Select); coding-DNA position 2503, T replaced by A.
Protein change: p.Leu835Met; replaces leucine 835 with methionine.
Molecular consequence: missense variant.
Genome position (GRCh38, 1-based): chr15:50,997,482, T>A. VCF-style: chr15-50997482-T-A. GRCh37 (hg19) VCF-style: chr15-51289679-T-A.
Other names: c.2278T>A, p.Leu760Met (NM_001252127.2); c.2503T>A (NM_007347.3); short protein forms L760M, L835M.
Identifiers: ClinVar variation 2148614 (VCV002148614.7), dbSNP rs144481954, ClinGen allele CA7559338.

ClinVar aggregate classification (germline): Uncertain significance. Review status: criteria provided, multiple submitters, no conflicts (2 of 4 stars). 3 submissions from 3 submitters: Uncertain significance (3). Last evaluated 2026-01-01.

Conditions:
Spastic paraplegia. Identifiers: MedGen C0037772, HP:0001258.
Inborn genetic diseases. Identifiers: MedGen C0950123, MeSH D030342.

Allele frequency attached by ClinVar (database versions not stated): ExAC 0.00001; gnomAD exomes 0.00001; gnomAD 0.00003; TOPMed 0.00005; ESP Exome Variant Server 0.00008.

Submissions (3):

CeGaT Center for Human Genetics Tuebingen
Classification: Uncertain significance. Last evaluated: 2026-01-01. Review status: criteria provided, single submitter. Criteria: CeGaT Center For Human Genetics Tuebingen Variant Classification Criteria Version 2. Collection method: clinical testing. Allele origin: germline. Affected: yes. Observed: 1 variant allele.
Comment: AP4E1: PM2, BP4

Ambry Genetics
Classification: Uncertain significance for Inborn genetic diseases. Last evaluated: 2025-11-02. Review status: criteria provided, single submitter. Criteria: Ambry Variant Classification Scheme 2023. Collection method: clinical testing. Allele origin: germline.

Labcorp Genetics (formerly Invitae), Labcorp
Classification: Uncertain significance for Spastic paraplegia. Last evaluated: 2022-08-23. Review status: criteria provided, single submitter. Criteria: Invitae Variant Classification Sherloc (09022015). Collection method: clinical testing. Allele origin: germline.
Comment: This sequence change replaces leucine, which is neutral and non-polar, with methionine, which is neutral and non-polar, at codon 835 of the AP4E1 protein (p.Leu835Met). This variant is present in population databases (rs144481954, gnomAD 0.02%). This variant has not been reported in the literature in individuals affected with AP4E1-related conditions. Algorithms developed to predict the effect of missense changes on protein structure and function (SIFT, PolyPhen-2, Align-GVGD) all suggest that this variant is likely to be tolerated. In summary, the available evidence is currently insufficient to determine the role of this variant in disease. Therefore, it has been classified as a Variant of Uncertain Significance.